The following is an entry in ClinVar:

NM_000719.7(CACNA1C):c.408C>T (p.Ala136=)

Gene: CACNA1C (calcium voltage-gated channel subunit alpha1 C; plus strand). Cytogenetic location: 12p13.33.
Variant type: single nucleotide variant.
Coding change: c.408C>T on transcript NM_000719.7 (MANE Select); coding-DNA position 408, C replaced by T.
Protein change: p.Ala136=; no amino-acid change (alanine 136 retained).
Molecular consequence: synonymous variant.
Genome position (GRCh38, 1-based): chr12:2,120,361, C>T. VCF-style: chr12-2120361-C-T. GRCh37 (hg19) VCF-style: chr12-2229527-C-T.
Other names: c.408C>T, p.Ala136= (NM_001129827.2, NM_001129829.2, NM_001129830.3 and 19 more transcripts).
Identifiers: ClinVar variation 701451 (VCV000701451.55), dbSNP rs769295096, ClinGen allele CA6388446.

ClinVar aggregate classification (germline): Conflicting classifications of pathogenicity. Review status: criteria provided, conflicting classifications (1 of 4 stars). 4 submissions from 4 submitters: Uncertain significance (1); Likely benign (3). Last evaluated 2025-11-18.

Conditions:
Cardiovascular phenotype. Identifiers: MedGen CN230736.
Long QT syndrome (LQTS). Identifiers: MedGen C0023976, MeSH D008133, MONDO:0002442. Disease mechanism: loss of function. Inheritance: Various modes of inheritance.

Allele frequency attached by ClinVar (database versions not stated): ExAC 0.00002; gnomAD 0.00002; gnomAD exomes 0.00002; TOPMed 0.00002.
gnomAD v4.1: 70 of 1,609,886 alleles (0.0043%); highest among the groups gnomAD compares: Non-Finnish European, 0.0057%; no homozygotes.

Submissions (4):

Labcorp Genetics (formerly Invitae), Labcorp
Classification: Likely benign for Long QT syndrome. Last evaluated: 2025-11-18. Review status: criteria provided, single submitter. Criteria: Invitae Variant Classification Sherloc (09022015). Collection method: clinical testing. Allele origin: germline.

Ambry Genetics
Classification: Uncertain significance for Cardiovascular phenotype. Last evaluated: 2020-11-30. Review status: criteria provided, single submitter. Criteria: Ambry Variant Classification Scheme 2023. Collection method: clinical testing. Allele origin: germline.
Comment: The c.408C>T variant (also known as p.A136A), located in coding exon 3 of the CACNA1C gene, results from a C to T substitution at nucleotide position 408. This nucleotide substitution does not change the alanine at codon 136. This nucleotide position is highly conserved in available vertebrate species. In silico splice site analysis for this alteration is inconclusive. Since supporting evidence is limited at this time, the clinical significance of this alteration remains unclear.

Women's Health and Genetics/Laboratory Corporation of America, LabCorp
Classification: Likely benign. Last evaluated: 2019-10-28. Review status: criteria provided, single submitter. Criteria: LabCorp Variant Classification Summary - May 2015. Collection method: clinical testing. Allele origin: germline.

CeGaT Center for Human Genetics Tuebingen
Classification: Likely benign. Last evaluated: 2019-05-01. Review status: criteria provided, single submitter. Criteria: CeGaT Center For Human Genetics Tuebingen Variant Classification Criteria Version 2. Collection method: clinical testing. Allele origin: germline. Affected: yes. Observed: 1 variant allele.